The following is an entry in ClinVar:

NM_003242.6(TGFBR2):c.42C>G (p.Ile14Met)

Gene: TGFBR2 (transforming growth factor beta receptor 2; plus strand). Cytogenetic location: 3p24.1.
Variant type: single nucleotide variant.
Coding change: c.42C>G on transcript NM_003242.6 (MANE Select); coding-DNA position 42, C replaced by G.
Protein change: p.Ile14Met; replaces isoleucine 14 with methionine.
Molecular consequence: missense variant.
Genome position (GRCh38, 1-based): chr3:30,606,925, C>G. VCF-style: chr3-30606925-C-G. GRCh37 (hg19) VCF-style: chr3-30648417-C-G.
Other names: c.42C>G, p.Ile14Met (NM_001024847.3, NM_001407126.1, NM_001407127.1 and 4 more transcripts); c.-242C>G (NM_001407133.1); c.-120C>G (NM_001407134.1); c.-167C>G (NM_001407135.1); c.-252C>G (NM_001407136.1); short protein forms I14M.
Identifiers: ClinVar variation 1310697 (VCV001310697.6), dbSNP rs1697933283, ClinGen allele CA351830536.
Genomic context (GRCh38, chr3:30,606,925, plus strand): 5'-ACGAGCAGCGGGGTCTGCCATGGGTCGGGGGCTGCTCAGGGGCCTGTGGCCGCTGCACAT[C>G]GTCCTGTGGACGCGTATCGCCAGCACGATCCCACCGCACGTTCAGAAGTCGGGTGAGTGG-3'
Protein context (NP_003233.4, residues 4-24): GLLRGLWPLH[Ile14Met]VLWTRIASTI

ClinVar aggregate classification (germline): Uncertain significance. Review status: criteria provided, multiple submitters, no conflicts (2 of 4 stars). 2 submissions from 2 submitters: Uncertain significance (2). Last evaluated 2022-11-20.

Conditions:
Familial thoracic aortic aneurysm and aortic dissection (TAAD). Also called: Thoracic aortic aneurysms and dissections. Identifiers: Orphanet 91387, MedGen C4707243, MONDO:0019625.

Submissions (2):

Labcorp Genetics (formerly Invitae), Labcorp
Classification: Uncertain significance for Familial thoracic aortic aneurysm and aortic dissection. Last evaluated: 2022-11-20. Review status: criteria provided, single submitter. Criteria: Invitae Variant Classification Sherloc (09022015). Collection method: clinical testing. Allele origin: germline.
Comment: This sequence change replaces isoleucine, which is neutral and non-polar, with methionine, which is neutral and non-polar, at codon 14 of the TGFBR2 protein (p.Ile14Met). In summary, the available evidence is currently insufficient to determine the role of this variant in disease. Therefore, it has been classified as a Variant of Uncertain Significance. Advanced modeling of protein sequence and biophysical properties (such as structural, functional, and spatial information, amino acid conservation, physicochemical variation, residue mobility, and thermodynamic stability) performed at Invitae indicates that this missense variant is not expected to disrupt TGFBR2 protein function. ClinVar contains an entry for this variant (Variation ID: 1310697). This variant has not been reported in the literature in individuals affected with TGFBR2-related conditions. This variant is not present in population databases (gnomAD no frequency).

GeneDx
Classification: Uncertain significance. Last evaluated: 2019-12-10. Review status: criteria provided, single submitter. Criteria: GeneDx Variant Classification Process June 2021. Collection method: clinical testing. Allele origin: germline. Affected: yes.
Comment: Not observed in large population cohorts (Lek et al., 2016); In silico analysis, which includes protein predictors and evolutionary conservation, supports that this variant does not alter protein structure/function; Has not been previously published as pathogenic or benign to our knowledge